The following is an entry in ClinVar:

NC_000017.10:g.(?_3384887)_(3386896_?)del

Gene: ASPA (aspartoacylase; plus strand). Cytogenetic location: 17p13.2.
Variant type: Deletion.
Identifiers: ClinVar variation 1071504 (VCV001071504.3).

ClinVar aggregate classification (germline): Pathogenic (1 of 4 stars; one submission).

Conditions:
Spongy degeneration of central nervous system. Also called: Canavan disease; Von Bogaert-Bertrand disease; AMINOACYLASE 2 DEFICIENCY; ACY2 DEFICIENCY; ASP DEFICIENCY; ASPA DEFICIENCY. Identifiers: Orphanet 141, MedGen C0206307, MONDO:0010079, OMIM 271900.

Submission:

Labcorp Genetics (formerly Invitae), Labcorp
Classification: Pathogenic for Spongy degeneration of central nervous system. Last evaluated: 2020-07-07. Review status: criteria provided, single submitter. Criteria: Invitae Variant Classification Sherloc (09022015). Collection method: clinical testing. Allele origin: germline.
Comment: This variant is an out-of-frame deletion of the genomic region encompassing exons 2-3 of the ASPA gene. This is expected to create a premature translational stop signal and result in an absent or disrupted protein product. This variant has not been reported in the literature in individuals with ASPA-related conditions. Loss-of-function variants in ASPA are known to be pathogenic (PMID: 12638939). For these reasons, this variant has been classified as Pathogenic.

Literature cited by the submitters: PubMed 12638939.